The following is an entry in ClinVar:

NM_001130987.2(DYSF):c.*199T>G

Gene: DYSF (dysferlin; plus strand). Cytogenetic location: 2p13.2.
Variant type: single nucleotide variant.
Coding change: c.*199T>G on transcript NM_001130987.2 (MANE Select); 199 bases downstream of the stop codon, T replaced by G.
Molecular consequence: 3 prime UTR variant.
Genome position (GRCh38, 1-based): chr2:71,686,691, T>G. VCF-style: chr2-71686691-T-G. GRCh37 (hg19) VCF-style: chr2-71913821-T-G.
Other names: c.*199T>G (NM_001130455.2, NM_001130976.2, NM_001130977.2 and 10 more transcripts).
Identifiers: ClinVar variation 336983 (VCV000336983.8), dbSNP rs13429381, ClinGen allele CA10614362.

ClinVar aggregate classification (germline): Benign/Likely benign. Review status: criteria provided, multiple submitters, no conflicts (2 of 4 stars). 3 submissions from 3 submitters: Benign (1); Likely benign (2). Last evaluated 2018-07-15.

Conditions:
Neuromuscular disease caused by qualitative or quantitative defects of dysferlin. Also called: Dysferlinopathy; Qualitative or quantitative defects of dysferlin. Identifiers: Orphanet 207073, MedGen C2931687, MONDO:0016145.

Allele frequency attached by ClinVar (database versions not stated): gnomAD exomes 0.01000; 1000 Genomes Project 0.02756; gnomAD 0.02774 and 0.02954; 1000 Genomes Project 30x 0.02904; TOPMed 0.03095.
gnomAD v4.1: 9,436 of 654,370 alleles (1.4%); highest among the groups gnomAD compares: African/African-American, 7.4%; 212 homozygotes.

Submissions (3):

GeneDx
Classification: Benign. Last evaluated: 2018-07-15. Review status: criteria provided, single submitter. Criteria: GeneDx Variant Classification Process June 2021. Collection method: clinical testing. Allele origin: germline. Affected: yes.

Illumina Laboratory Services, Illumina
Classification: Likely benign for Qualitative or quantitative defects of dysferlin. Last evaluated: 2018-01-13. Review status: criteria provided, single submitter. Criteria: ICSL Variant Classification Criteria 13 December 2019. Collection method: clinical testing. Allele origin: germline.
Comment: This variant was observed in the ICSL laboratory as part of a predisposition screen in an ostensibly healthy population. It had not been previously curated by ICSL or reported in the Human Gene Mutation Database (HGMD: prior to June 1st, 2018), and was therefore a candidate for classification through an automated scoring system. Utilizing variant allele frequency, disease prevalence and penetrance estimates, and inheritance mode, an automated score was calculated to assess if this variant is too frequent to cause the disease. Based on the score and internal cut-off values, a variant classified as likely benign is not then subjected to further curation. The score for this variant resulted in a classification of likely benign for this disease.

Breakthrough Genomics
Classification: Likely benign. Review status: criteria provided, single submitter. Criteria: ACMG Guidelines, 2015. Collection method: not provided. Allele origin: germline. Inheritance: Autosomal recessive inheritance. Affected: yes.